The following is an entry in ClinVar:

ClinVar aggregate classification (germline): Uncertain significance (1 of 4 stars; one submission).

Submission:

Labcorp Genetics (formerly Invitae), Labcorp
Classification: Uncertain significance. Last evaluated: 2024-02-24. Review status: criteria provided, single submitter. Criteria: Invitae Variant Classification Sherloc (09022015). Collection method: clinical testing. Allele origin: germline.
Comment: This sequence change replaces proline, which is neutral and non-polar, with leucine, which is neutral and non-polar, at codon 136 of the IFNAR2 protein (p.Pro136Leu). This variant is not present in population databases (gnomAD no frequency). This variant has not been reported in the literature in individuals affected with IFNAR2-related conditions. ClinVar contains an entry for this variant (Variation ID: 2070100). An algorithm developed to predict the effect of missense changes on protein structure and function (PolyPhen-2) suggests that this variant is likely to be disruptive. In summary, the available evidence is currently insufficient to determine the role of this variant in disease. Therefore, it has been classified as a Variant of Uncertain Significance.

NM_001289125.3(IFNAR2):c.407C>T (p.Pro136Leu)

Genes: IFNAR2 (interferon alpha and beta receptor subunit 2; plus strand), IFNAR2-IL10RB (IFNAR2-IL10RB readthrough; plus strand). Cytogenetic location: 21q22.11.
Variant type: single nucleotide variant.
Coding change: c.407C>T on transcript NM_001289125.3 (MANE Select); coding-DNA position 407, C replaced by T.
Protein change: p.Pro136Leu; replaces proline 136 with leucine.
Molecular consequence: missense variant.
Genome position (GRCh38, 1-based): chr21:33,248,721, C>T. VCF-style: chr21-33248721-C-T. GRCh37 (hg19) VCF-style: chr21-34621026-C-T.
Other names: c.407C>T, p.Pro136Leu (NM_001414505.1, NM_000874.5, NM_001289126.2 and 5 more transcripts); short protein forms P136L.
Identifiers: ClinVar variation 2070100 (VCV002070100.4), dbSNP rs768348126, ClinGen allele CA410099013.